The following is an entry in ClinVar:

NM_004333.6(BRAF):c.1120A>G (p.Ile374Val)

Genes: BRAF (B-Raf proto-oncogene, serine/threonine kinase; minus strand), LOC126860202 (BRD4-independent group 4 enhancer GRCh37_chr7:140493623-140494822; plus strand). Cytogenetic location: 7q34.
Variant type: single nucleotide variant.
Coding change: c.1120A>G on transcript NM_004333.6 (MANE Select); coding-DNA position 1120, A replaced by G.
Protein change: p.Ile374Val; replaces isoleucine 374 with valine.
Molecular consequence: missense variant.
Genome position (GRCh38, 1-based): chr7:140,794,328, T>C on the plus strand (A>G on the coding strand, the complement: BRAF is on the minus strand). VCF-style: chr7-140794328-T-C. GRCh37 (hg19) VCF-style: chr7-140494128-T-C.
Other names: c.964A>G, p.Ile322Val (NM_001378473.1, NM_001378472.1); c.1120A>G, p.Ile374Val (NM_001378474.1, NM_001354609.2, NM_001374244.1 and 4 more transcripts); c.856A>G, p.Ile286Val (NM_001378475.1); c.1129A>G, p.Ile377Val (NM_001378467.1); c.1018A>G, p.Ile340Val (NM_001378470.1); short protein forms I374V, I286V, I322V, I340V, I377V.
Identifiers: ClinVar variation 2080875 (VCV002080875.5), dbSNP rs397507471, ClinGen allele CA281959.

ClinVar aggregate classification (germline): Uncertain significance. Review status: criteria provided, multiple submitters, no conflicts (2 of 4 stars). 3 submissions from 3 submitters: Uncertain significance (3). Last evaluated 2025-06-28.

Conditions:
Cardiovascular phenotype. Identifiers: MedGen CN230736.
RASopathy. Also called: rasopathies; Noonan spectrum disorder. Identifiers: Orphanet 536391, MedGen C5555857, MONDO:0021060.

Allele frequency attached by ClinVar (database versions not stated): gnomAD exomes 0.00001.
gnomAD v4.1: 8 of 1,614,124 alleles (0.0005%); highest among the groups gnomAD compares: Non-Finnish European, 0.00068%; no homozygotes.

Submissions (3):

Ambry Genetics
Classification: Uncertain significance for Cardiovascular phenotype. Last evaluated: 2025-06-28. Review status: criteria provided, single submitter. Criteria: Ambry Variant Classification Scheme 2023. Collection method: clinical testing. Allele origin: germline.
Comment: The p.I374V variant (also known as c.1120A>G), located in coding exon 8 of the BRAF gene, results from an A to G substitution at nucleotide position 1120. The isoleucine at codon 374 is replaced by valine, an amino acid with highly similar properties. This amino acid position is conserved. In addition, the in silico prediction for this alteration is inconclusive. Based on the available evidence, the clinical significance of this variant remains unclear.

Labcorp Genetics (formerly Invitae), Labcorp
Classification: Uncertain significance for RASopathy. Last evaluated: 2024-11-26. Review status: criteria provided, single submitter. Criteria: Invitae Variant Classification Sherloc (09022015). Collection method: clinical testing. Allele origin: germline.
Comment: This sequence change replaces isoleucine, which is neutral and non-polar, with valine, which is neutral and non-polar, at codon 374 of the BRAF protein (p.Ile374Val). This variant is present in population databases (rs397507471, gnomAD 0.0009%). This variant has not been reported in the literature in individuals affected with BRAF-related conditions. ClinVar contains an entry for this variant (Variation ID: 2080875). Invitae Evidence Modeling of protein sequence and biophysical properties (such as structural, functional, and spatial information, amino acid conservation, physicochemical variation, residue mobility, and thermodynamic stability) indicates that this missense variant is not expected to disrupt BRAF protein function with a negative predictive value of 80%. In summary, the available evidence is currently insufficient to determine the role of this variant in disease. Therefore, it has been classified as a Variant of Uncertain Significance.

Women's Health and Genetics/Laboratory Corporation of America, LabCorp
Classification: Uncertain significance. Last evaluated: 2023-12-04. Review status: criteria provided, single submitter. Criteria: LabCorp Variant Classification Summary - May 2015. Collection method: clinical testing. Allele origin: germline.
Comment: Variant summary: BRAF c.1120A>G (p.Ile374Val) results in a conservative amino acid change in the encoded protein sequence. Four of five in-silico tools predict a benign effect of the variant on protein function. The variant allele was found at a frequency of 4e-06 in 251470 control chromosomes (gnomAD). The available data on variant occurrences in the general population are insufficient to allow any conclusion about variant significance. To our knowledge, no occurrence of c.1120A>G in individuals affected with Cardiofaciocutaneous Syndrome or other BRAF-related disorders and no experimental evidence demonstrating its impact on protein function have been reported. One submitter has cited a clinical-significance assessment for this variant to ClinVar after 2014 and has classified the variant as uncertain significance. Based on the evidence outlined above, the variant was classified as uncertain significance.